The following is an entry in ClinVar:

NM_000214.3(JAG1):c.2227+5C>G

Gene: JAG1 (jagged canonical Notch ligand 1; minus strand). Cytogenetic location: 20p12.2.
Variant type: single nucleotide variant.
Coding change: c.2227+5C>G on transcript NM_000214.3 (MANE Select); 5 bases into the intron after coding-DNA position 2227, C replaced by G.
Molecular consequence: intron variant.
Genome position (GRCh38, 1-based): chr20:10,645,138, G>C on the plus strand (C>G on the coding strand, the complement: JAG1 is on the minus strand). VCF-style: chr20-10645138-G-C. GRCh37 (hg19) VCF-style: chr20-10625786-G-C.
Other names: c.2227+5C>G (NM_000214.2).
Identifiers: ClinVar variation 1420234 (VCV001420234.7), dbSNP rs371127863, ClinGen allele CA9764603.
Genomic context (GRCh38, chr20:10,645,138, plus strand): 5'-GCCAACCAGCAGACACGCCCAGGTGGCCATGCCCACTGCAGATCCCACGTGGGGCATAAA[G>C]TTACCTATGTTACAGGTTGTTCCTTCCCAGCCGCCAGGACACATGCACTTAAAAGCATCC-3'

ClinVar aggregate classification (germline): Conflicting classifications of pathogenicity. Review status: criteria provided, conflicting classifications (1 of 4 stars). 2 submissions from 2 submitters: Uncertain significance (1); Likely benign (1). Last evaluated 2026-02-01.

Conditions:
JAG1-related disorder. Also called: JAG1-related condition; JAG1-related disorders.
Alagille syndrome due to a JAG1 point mutation. Also called: HEPATIC DUCTULAR HYPOPLASIA, SYNDROMATIC; Alagille Syndrome 1; JAG1-Related Alagille Syndrome. Identifiers: Orphanet 261619, Orphanet 52, MedGen C1956125, MONDO:0016862, OMIM 118450.

Allele frequency attached by ClinVar (database versions not stated): gnomAD exomes below 0.00001; ExAC 0.00002; gnomAD 0.00002; TOPMed 0.00002; ESP Exome Variant Server 0.00008.
gnomAD v4.1: 41 of 1,610,308 alleles (0.0025%); highest among the groups gnomAD compares: Non-Finnish European, 0.0033%; no homozygotes.

Submissions (2):

Labcorp Genetics (formerly Invitae), Labcorp
Classification: Uncertain significance for Alagille syndrome due to a JAG1 point mutation. Last evaluated: 2026-02-01. Review status: criteria provided, single submitter. Criteria: Invitae Variant Classification Sherloc (09022015). Collection method: clinical testing. Allele origin: germline.
Comment: This sequence change falls in intron 17 of the JAG1 gene. It does not directly change the encoded amino acid sequence of the JAG1 protein. It affects a nucleotide within the consensus splice site. This variant is present in population databases (rs371127863, gnomAD 0.002%). This variant has not been reported in the literature in individuals affected with JAG1-related conditions. ClinVar contains an entry for this variant (Variation ID: 1420234). Variants that disrupt the consensus splice site are a relatively common cause of aberrant splicing (PMID: 17576681, 9536098). Algorithms developed to predict the effect of sequence changes on RNA splicing suggest that this variant is not likely to affect RNA splicing. In summary, the available evidence is currently insufficient to determine the role of this variant in disease. Therefore, it has been classified as a Variant of Uncertain Significance.

PreventionGenetics, part of Exact Sciences
Classification: Likely benign for JAG1-related condition. Last evaluated: 2025-07-31. Review status: criteria provided, single submitter. Criteria: ACMG Guidelines, 2015. Collection method: clinical testing. Allele origin: germline.
Comment: This variant is classified as likely benign based on ACMG/AMP sequence variant interpretation guidelines (Richards et al. 2015 PMID: 25741868, with internal and published modifications).

Literature cited by the submitters: PubMed 17576681 (cited by Labcorp Genetics (formerly Invitae), Labcorp); PubMed 9536098 (cited by Labcorp Genetics (formerly Invitae), Labcorp).